The following is an entry in ClinVar:

NM_025152.3(NUBPL):c.74T>C (p.Leu25Pro)

Gene: NUBPL (NUBP iron-sulfur cluster assembly factor, mitochondrial; plus strand). Cytogenetic location: 14q12.
Variant type: single nucleotide variant.
Coding change: c.74T>C on transcript NM_025152.3 (MANE Select); coding-DNA position 74, T replaced by C.
Protein change: p.Leu25Pro; replaces leucine 25 with proline.
Molecular consequence: missense variant. On other transcripts: non-coding transcript variant (1).
Genome position (GRCh38, 1-based): chr14:31,561,513, T>C. VCF-style: chr14-31561513-T-C. GRCh37 (hg19) VCF-style: chr14-32030719-T-C.
Other names: short protein forms L25P.
Identifiers: ClinVar variation 1916777 (VCV001916777.5), dbSNP rs2033278318, ClinGen allele CA389481618.

ClinVar aggregate classification (germline): Uncertain significance (1 of 4 stars; one submission).

Submission:

Labcorp Genetics (formerly Invitae), Labcorp
Classification: Uncertain significance. Last evaluated: 2022-08-08. Review status: criteria provided, single submitter. Criteria: Invitae Variant Classification Sherloc (09022015). Collection method: clinical testing. Allele origin: germline.
Comment: In summary, the available evidence is currently insufficient to determine the role of this variant in disease. Therefore, it has been classified as a Variant of Uncertain Significance. Algorithms developed to predict the effect of missense changes on protein structure and function output the following: SIFT: "Tolerated"; PolyPhen-2: "Benign"; Align-GVGD: "Class C0". The proline amino acid residue is found in multiple mammalian species, which suggests that this missense change does not adversely affect protein function. This variant has not been reported in the literature in individuals affected with NUBPL-related conditions. This variant is not present in population databases (gnomAD no frequency). This sequence change replaces leucine, which is neutral and non-polar, with proline, which is neutral and non-polar, at codon 25 of the NUBPL protein (p.Leu25Pro).